The following is an entry in ClinVar:

NM_006904.7(PRKDC):c.394A>G (p.Ile132Val)

Gene: PRKDC (protein kinase, DNA-activated, catalytic subunit; minus strand). Cytogenetic location: 8q11.21.
Variant type: single nucleotide variant.
Coding change: c.394A>G on transcript NM_006904.7 (MANE Select); coding-DNA position 394, A replaced by G.
Protein change: p.Ile132Val; replaces isoleucine 132 with valine.
Molecular consequence: missense variant.
Genome position (GRCh38, 1-based): chr8:47,955,879, T>C on the plus strand (A>G on the coding strand, the complement: PRKDC is on the minus strand). VCF-style: chr8-47955879-T-C. GRCh37 (hg19) VCF-style: chr8-48868439-T-C.
Other names: c.394A>G, p.Ile132Val (NM_001081640.2); short protein forms I132V.
Identifiers: ClinVar variation 2564515 (VCV002564515.2), dbSNP rs746211660, ClinGen allele CA371140178.

ClinVar aggregate classification (germline): Uncertain significance (1 of 4 stars; one submission).

Submission:

Ambry Genetics
Classification: Uncertain significance. Last evaluated: 2023-04-07. Review status: criteria provided, single submitter. Criteria: Ambry Variant Classification Scheme 2023. Collection method: clinical testing. Allele origin: germline.
Comment: The p.I132V variant (also known as c.394A>G), located in coding exon 4 of the PRKDC gene, results from an A to G substitution at nucleotide position 394. The isoleucine at codon 132 is replaced by valine, an amino acid with highly similar properties. This amino acid position is conserved. In addition, this alteration is predicted to be tolerated by in silico analysis. Since supporting evidence is limited at this time, the clinical significance of this alteration remains unclear.